The following is an entry in ClinVar:

NM_144670.6(A2ML1):c.137G>T (p.Gly46Val)

Genes: A2ML1 (alpha-2-macroglobulin like 1; plus strand), A2ML1-AS1 (A2ML1 antisense RNA 1; minus strand). Cytogenetic location: 12p13.31.
Variant type: single nucleotide variant.
Coding change: c.137G>T on transcript NM_144670.6 (MANE Select); coding-DNA position 137, G replaced by T.
Protein change: p.Gly46Val; replaces glycine 46 with valine.
Molecular consequence: missense variant.
Genome position (GRCh38, 1-based): chr12:8,823,256, G>T. VCF-style: chr12-8823256-G-T. GRCh37 (hg19) VCF-style: chr12-8975852-G-T.
Other names: short protein forms G46V.
Identifiers: ClinVar variation 1381882 (VCV001381882.8), dbSNP rs757200771, ClinGen allele CA6435176.

ClinVar aggregate classification (germline): Uncertain significance (1 of 4 stars; one submission).

gnomAD v4.1: 4 of 1,613,928 alleles (0.00025%); highest among the groups gnomAD compares: African/African-American, 0.0053%; no homozygotes.

Submission:

Labcorp Genetics (formerly Invitae), Labcorp
Classification: Uncertain significance. Last evaluated: 2024-02-14. Review status: criteria provided, single submitter. Criteria: Invitae Variant Classification Sherloc (09022015). Collection method: clinical testing. Allele origin: germline.
Comment: This sequence change replaces glycine, which is neutral and non-polar, with valine, which is neutral and non-polar, at codon 46 of the A2ML1 protein (p.Gly46Val). This variant is present in population databases (rs757200771, gnomAD 0.007%). This variant has not been reported in the literature in individuals affected with A2ML1-related conditions. ClinVar contains an entry for this variant (Variation ID: 1381882). An algorithm developed to predict the effect of missense changes on protein structure and function (PolyPhen-2) suggests that this variant is likely to be tolerated. In summary, the available evidence is currently insufficient to determine the role of this variant in disease. Therefore, it has been classified as a Variant of Uncertain Significance.